The following is an entry in ClinVar:

NM_001291415.2(KDM6A):c.1658A>C (p.Gln553Pro)

Gene: KDM6A (lysine demethylase 6A; plus strand). Cytogenetic location: Xp11.3.
Variant type: single nucleotide variant.
Coding change: c.1658A>C on transcript NM_001291415.2 (MANE Select); coding-DNA position 1658, A replaced by C.
Protein change: p.Gln553Pro; replaces glutamine 553 with proline.
Molecular consequence: missense variant. On other transcripts: intron variant (6).
Genome position (GRCh38, 1-based): chrX:45,062,723, A>C. VCF-style: chrX-45062723-A-C. GRCh37 (hg19) VCF-style: chrX-44921968-A-C.
Other names: c.1523A>C, p.Gln508Pro (NM_001291416.2, NM_001419811.1); c.1367A>C, p.Gln456Pro (NM_001291417.2); c.614A>C, p.Gln205Pro (NM_001291421.2); c.1658A>C, p.Gln553Pro (NM_001419809.1); c.1502A>C, p.Gln501Pro (NM_001419812.1, NM_021140.4); c.1582-699A>C (NM_001419810.1, NM_001419813.1); c.1426-699A>C (NM_001419814.1, NM_001410742.1); c.1291-699A>C (NM_001419815.1, NM_001291418.2); short protein forms Q205P, Q456P, Q501P, Q553P, Q508P.
Identifiers: ClinVar variation 3644680 (VCV003644680.2).

ClinVar aggregate classification (germline): Uncertain significance (1 of 4 stars; one submission).

Conditions:
Kabuki syndrome 2 (KABUK2). Also called: KDM6A-Related Kabuki Syndrome. Identifiers: Orphanet 2322, MedGen C3275495, MONDO:0010465, OMIM 300867.

gnomAD v4.1: 3 of 1,196,293 alleles (0.00025%); highest among the groups gnomAD compares: Non-Finnish European, 0.00034%; no homozygotes.

Submission:

Labcorp Genetics (formerly Invitae), Labcorp
Classification: Uncertain significance for Kabuki syndrome 2. Last evaluated: 2024-10-23. Review status: criteria provided, single submitter. Criteria: Invitae Variant Classification Sherloc (09022015). Collection method: clinical testing. Allele origin: germline.
Comment: This sequence change replaces glutamine, which is neutral and polar, with proline, which is neutral and non-polar, at codon 501 of the KDM6A protein (p.Gln501Pro). This variant is not present in population databases (gnomAD no frequency). This variant has not been reported in the literature in individuals affected with KDM6A-related conditions. Invitae Evidence Modeling of protein sequence and biophysical properties (such as structural, functional, and spatial information, amino acid conservation, physicochemical variation, residue mobility, and thermodynamic stability) has been performed for this missense variant. However, the output from this modeling did not meet the statistical confidence thresholds required to predict the impact of this variant on KDM6A protein function. In summary, the available evidence is currently insufficient to determine the role of this variant in disease. Therefore, it has been classified as a Variant of Uncertain Significance.